The following is an entry in ClinVar:

NM_007294.4(BRCA1):c.2577_2578insTT (p.Thr860fs)

Gene: BRCA1 (BRCA1 DNA repair associated; minus strand). Cytogenetic location: 17q21.31.
Variant type: Insertion.
Coding change: c.2577_2578insTT on transcript NM_007294.4 (MANE Select); coding-DNA positions 2577 to 2578, TT inserted.
Protein change: p.Thr860fs; shifts the reading frame from threonine 860.
Molecular consequence: frameshift variant. On other transcripts: intron variant (137).
Genome position: GRCh38 VCF-style: chr17-43092953-T-TAA. GRCh37 (hg19) VCF-style: chr17-41244970-T-TAA.
Other names: 2696-2697insTT; c.2577_2578insTT, p.Thr860fs (NM_007294.3, NM_001407581.1, NM_001407582.1 and 31 more transcripts); c.2364_2365insTT, p.Thr789fs (NM_001407571.1, NM_001407853.1, NM_001407894.1 and 9 more transcripts); c.2574_2575insTT, p.Thr859fs (NM_001407587.1, NM_001407590.1, NM_001407591.1 and 22 more transcripts); c.2568_2569insTT, p.Thr857fs (NM_001407646.1, NM_001407647.1); c.2454_2455insTT, p.Thr819fs (NM_001407648.1, NM_001407664.1, NM_001407665.1 and 19 more transcripts); c.2451_2452insTT, p.Thr818fs (NM_001407649.1, NM_001407670.1, NM_001407671.1 and 11 more transcripts); c.2499_2500insTT, p.Thr834fs (NM_001407653.1, NM_001407654.1, NM_001407655.1 and 4 more transcripts); and 42 more; short protein forms T813fs, T860fs, T692fs, T792fs, T812fs, T818fs, T857fs, T733fs.
Identifiers: ClinVar variation 266282 (VCV000266282.7), dbSNP rs886040052, ClinGen allele CA10589833.

ClinVar aggregate classification (germline): Pathogenic. Review status: reviewed by expert panel (3 of 4 stars). 2 submissions from 2 submitters: Pathogenic (1). 1 of the submissions does not count toward it. Last evaluated 2016-10-18.

Conditions:
Breast-ovarian cancer, familial, susceptibility to, 1 (BROVCA1). Also called: BRCA1 Hereditary Breast and Ovarian Cancer; OVARIAN CANCER, SUSCEPTIBILITY TO. Identifiers: Orphanet 145, MedGen C2676676, MONDO:0011450, OMIM 604370. Disease mechanism: loss of function.

Submissions (2):

Evidence-based Network for the Interpretation of Germline Mutant Alleles (ENIGMA)
Classification: Pathogenic for Breast-ovarian cancer, familial, susceptibility to, 1. Last evaluated: 2016-10-18. Review status: reviewed by expert panel. Criteria: ENIGMA BRCA1/2 Classification Criteria (2015). Collection method: curation. Allele origin: germline.
Comment: Variant allele predicted to encode a truncated non-functional protein.

Consortium of Investigators of Modifiers of BRCA1/2 (CIMBA), c/o University of Cambridge
Classification: Pathogenic for Breast-ovarian cancer, familial, susceptibility to, 1. Last evaluated: 2015-10-02. Review status: criteria provided, single submitter. Criteria: CIMBA Mutation Classification guidelines May 2016. Collection method: clinical testing. Allele origin: germline. Not counted in ClinVar's aggregate classification.